The following is an entry in ClinVar:

ClinVar aggregate classification (germline): Pathogenic (1 of 4 stars; one submission).

Submission:

Labcorp Genetics (formerly Invitae), Labcorp
Classification: Pathogenic. Last evaluated: 2022-02-04. Review status: criteria provided, single submitter. Criteria: Invitae Variant Classification Sherloc (09022015). Collection method: clinical testing. Allele origin: germline.
Comment: This variant is not present in population databases (gnomAD no frequency). For these reasons, this variant has been classified as Pathogenic. This variant has not been reported in the literature in individuals affected with PDZD7-related conditions. This sequence change creates a premature translational stop signal (p.Thr145Profs*6) in the PDZD7 gene. It is expected to result in an absent or disrupted protein product. Loss-of-function variants in PDZD7 are known to be pathogenic (PMID: 20440071).

Literature cited by the submitters: PubMed 20440071.

NM_001195263.2(PDZD7):c.432del (p.Thr145fs)

Gene: PDZD7 (PDZ domain containing 7; minus strand). Cytogenetic location: 10q24.31.
Variant type: Deletion.
Coding change: c.432del on transcript NM_001195263.2 (MANE Select); coding-DNA position 432, one base deleted (C; older notation c.432delC).
Protein change: p.Thr145fs; shifts the reading frame from threonine 145.
Molecular consequence: frameshift variant.
Genome position (GRCh38, 1-based): chr10:101,023,546, G deleted on the plus strand (C on the coding strand, the reverse complement: PDZD7 is on the minus strand); the first of 2 consecutive G bases (chr10:101,023,546-101,023,547); deleting either gives the same sequence. VCF-style (leftmost placement, unchanged base first): chr10-101023545-TG-T. GRCh37 (hg19) VCF-style: chr10-102783302-TG-T.
Other names: c.432del, p.Thr145fs (NM_001351044.2, NM_024895.5); short protein forms T145fs.
Identifiers: ClinVar variation 1438233 (VCV001438233.6), dbSNP rs2134100484, ClinGen allele CA2573145518.